The following is an entry in ClinVar:

NM_000944.5(PPP3CA):c.1457G>T (p.Arg486Leu)

Gene: PPP3CA (protein phosphatase 3 catalytic subunit alpha; minus strand). Cytogenetic location: 4q24.
Variant type: single nucleotide variant.
Coding change: c.1457G>T on transcript NM_000944.5 (MANE Select); coding-DNA position 1457, G replaced by T.
Protein change: p.Arg486Leu; replaces arginine 486 with leucine.
Molecular consequence: missense variant.
Genome position (GRCh38, 1-based): chr4:101,025,974, C>A on the plus strand (G>T on the coding strand, the complement: PPP3CA is on the minus strand). VCF-style: chr4-101025974-C-A. GRCh37 (hg19) VCF-style: chr4-101947131-C-A.
Other names: c.1301G>T, p.Arg434Leu (NM_001130692.2); c.1427G>T, p.Arg476Leu (NM_001130691.2); short protein forms R486L, R434L, R476L.
Identifiers: ClinVar variation 3658820 (VCV003658820.2).

ClinVar aggregate classification (germline): Uncertain significance (1 of 4 stars; one submission).

Submission:

Labcorp Genetics (formerly Invitae), Labcorp
Classification: Uncertain significance. Last evaluated: 2024-07-05. Review status: criteria provided, single submitter. Criteria: Invitae Variant Classification Sherloc (09022015). Collection method: clinical testing. Allele origin: germline.
Comment: This sequence change replaces arginine, which is basic and polar, with leucine, which is neutral and non-polar, at codon 486 of the PPP3CA protein (p.Arg486Leu). This variant is not present in population databases (gnomAD no frequency). This variant has not been reported in the literature in individuals affected with PPP3CA-related conditions. Advanced modeling of protein sequence and biophysical properties (such as structural, functional, and spatial information, amino acid conservation, physicochemical variation, residue mobility, and thermodynamic stability) performed at Invitae indicates that this missense variant is not expected to disrupt PPP3CA protein function with a negative predictive value of 80%. In summary, the available evidence is currently insufficient to determine the role of this variant in disease. Therefore, it has been classified as a Variant of Uncertain Significance.